The following is an entry in ClinVar:

NM_144997.7(FLCN):c.707A>G (p.Asn236Ser)

Gene: FLCN (folliculin; minus strand). Cytogenetic location: 17p11.2.
Variant type: single nucleotide variant.
Coding change: c.707A>G on transcript NM_144997.7 (MANE Select); coding-DNA position 707, A replaced by G.
Protein change: p.Asn236Ser; replaces asparagine 236 with serine.
Molecular consequence: missense variant.
Genome position (GRCh38, 1-based): chr17:17,222,573, T>C on the plus strand (A>G on the coding strand, the complement: FLCN is on the minus strand). VCF-style: chr17-17222573-T-C. GRCh37 (hg19) VCF-style: chr17-17125887-T-C.
Other names: c.707A>G, p.Asn236Ser (NM_144606.7, NM_001353231.2, NM_001353230.2); c.761A>G, p.Asn254Ser (NM_001353229.2); c.707A>G (LRG_325t1); short protein forms N236S, N254S.
Identifiers: ClinVar variation 485602 (VCV000485602.16), dbSNP rs1194767470, ClinGen allele CA398533958.

ClinVar aggregate classification (germline): Uncertain significance. Review status: criteria provided, multiple submitters, no conflicts (2 of 4 stars). 4 submissions from 4 submitters: Uncertain significance (4). Last evaluated 2025-10-21.

Conditions:
Birt-Hogg-Dube syndrome 1 (BHD1). Also called: FIBROFOLLICULOMAS WITH TRICHODISCOMAS AND ACROCHORDONS. Identifiers: Orphanet 122, MedGen CN375946, MONDO:0800445, OMIM 135150.
Birt-Hogg-Dube syndrome. Also called: Birt Hogg Dubé syndrome. Identifiers: Orphanet 122, MedGen C0346010, MONDO:0800444.
Colorectal cancer. Also called: Colorectal cancer, somatic; Malignant Colorectal Neoplasm. Identifiers: MedGen C0346629, MONDO:0005575, OMIM 114500.
Nonpapillary renal cell carcinoma. Identifiers: Orphanet 422526, MedGen CN074294, MONDO:0007763, OMIM 144700.
Familial spontaneous pneumothorax (PSP). Identifiers: Orphanet 2903, MedGen C1868193, MONDO:0008259, OMIM 173600.
17p11.2 microduplication syndrome (PTLS). Also called: CHROMOSOME 17p11.2 DUPLICATION SYNDROME; Potocki-Lupski syndrome; Duplication 17p11.2 syndrome; Potocki-Lupski syndrome (dup(17)(p11.2p11.2)). Identifiers: Orphanet 1713, MedGen C2931246, MONDO:0012574, OMIM 610883.
Hereditary cancer-predisposing syndrome. Also called: Hereditary neoplastic syndrome; Neoplastic Syndromes, Hereditary; Tumor predisposition; Hereditary Cancer Syndrome. Identifiers: Orphanet 140162, MedGen C0027672, MeSH D009386, MONDO:0015356.

Allele frequency attached by ClinVar (database versions not stated): gnomAD exomes below 0.00001; TOPMed 0.00003; gnomAD 0.00004.

Submissions (4):

Ambry Genetics
Classification: Uncertain significance for Hereditary cancer-predisposing syndrome. Last evaluated: 2025-10-21. Review status: criteria provided, single submitter. Criteria: Ambry Variant Classification Scheme 2023. Collection method: clinical testing. Allele origin: germline.

Labcorp Genetics (formerly Invitae), Labcorp
Classification: Uncertain significance for Birt-Hogg-Dube syndrome. Last evaluated: 2025-10-05. Review status: criteria provided, single submitter. Criteria: Invitae Variant Classification Sherloc (09022015). Collection method: clinical testing. Allele origin: germline.
Comment: This sequence change replaces asparagine, which is neutral and polar, with serine, which is neutral and polar, at codon 236 of the FLCN protein (p.Asn236Ser). This variant is present in population databases (no rsID available, gnomAD 0.008%). This variant has not been reported in the literature in individuals affected with FLCN-related conditions. ClinVar contains an entry for this variant (Variation ID: 485602). Invitae Evidence Modeling of protein sequence and biophysical properties (such as structural, functional, and spatial information, amino acid conservation, physicochemical variation, residue mobility, and thermodynamic stability) indicates that this missense variant is not expected to disrupt FLCN protein function with a negative predictive value of 80%. In summary, the available evidence is currently insufficient to determine the role of this variant in disease. Therefore, it has been classified as a Variant of Uncertain Significance.

Baylor Genetics
Classification: Uncertain significance for Birt-Hogg-Dube syndrome 1. Last evaluated: 2024-02-20. Review status: criteria provided, single submitter. Criteria: ACMG Guidelines, 2015. Collection method: clinical testing. Allele origin: unknown.

Fulgent Genetics
Classification: Uncertain significance for Colorectal cancer; Birt-Hogg-Dube syndrome 1; Nonpapillary renal cell carcinoma; Familial spontaneous pneumothorax; 17p11.2 microduplication syndrome. Last evaluated: 2021-12-02. Review status: criteria provided, single submitter. Criteria: ACMG Guidelines, 2015. Collection method: clinical testing. Allele origin: unknown.